The following is an entry in ClinVar:

NM_005263.5(GFI1):c.1240C>T (p.His414Tyr)

Gene: GFI1 (growth factor independent 1 transcriptional repressor; minus strand). Cytogenetic location: 1p22.1.
Variant type: single nucleotide variant.
Coding change: c.1240C>T on transcript NM_005263.5 (MANE Select); coding-DNA position 1240, C replaced by T.
Protein change: p.His414Tyr; replaces histidine 414 with tyrosine.
Molecular consequence: missense variant.
Genome position (GRCh38, 1-based): chr1:92,476,058, G>A on the plus strand (C>T on the coding strand, the complement: GFI1 is on the minus strand). VCF-style: chr1-92476058-G-A. GRCh37 (hg19) VCF-style: chr1-92941615-G-A.
Other names: c.1240C>T, p.His414Tyr (NM_001127215.3, NM_001127216.3); short protein forms H414Y.
Identifiers: ClinVar variation 4029420 (VCV004029420.1).

ClinVar aggregate classification (germline): Uncertain significance (1 of 4 stars; one submission).

gnomAD v4.1: 1 of 1,614,130 alleles (0.000062%); highest among the groups gnomAD compares: Non-Finnish European, 0.000085%; no homozygotes.

Submission:

Ambry Genetics
Classification: Uncertain significance. Last evaluated: 2025-05-10. Review status: criteria provided, single submitter. Criteria: Ambry Variant Classification Scheme 2023. Collection method: clinical testing. Allele origin: germline.
Comment: The p.H414Y variant (also known as c.1240C>T), located in coding exon 6 of the GFI1 gene, results from a C to T substitution at nucleotide position 1240. The histidine at codon 414 is replaced by tyrosine, an amino acid with similar properties. This amino acid position is conserved. In addition, this alteration is predicted to be deleterious by in silico analysis. Based on the available evidence, the clinical significance of this variant remains unclear.